The following is an entry in ClinVar:

NM_001042750.2(STAG2):c.2294T>C (p.Met765Thr)

Gene: STAG2 (STAG2 cohesin complex component; plus strand). Cytogenetic location: Xq25.
Variant type: single nucleotide variant.
Coding change: c.2294T>C on transcript NM_001042750.2 (MANE Select); coding-DNA position 2294, T replaced by C.
Protein change: p.Met765Thr; replaces methionine 765 with threonine.
Molecular consequence: missense variant.
Genome position (GRCh38, 1-based): chrX:124,068,592, T>C. VCF-style: chrX-124068592-T-C. GRCh37 (hg19) VCF-style: chrX-123202442-T-C.
Other names: c.2294T>C, p.Met765Thr (NM_001042749.2, NM_001042751.2, NM_001282418.2 and 13 more transcripts); short protein forms M765T.
Identifiers: ClinVar variation 3373659 (VCV003373659.1).
Genomic context (GRCh38, chrX:124,068,592, plus strand): 5'-TTTTTTAAAAGTTAATGTTAAATTTTTTCAAGGAGGACTTGCTGCGTTTAAAGAAACAAA[T>C]GAGAGTATTTTGTCAGATATGTCAACATTACCTGACCAACGTGAATACTACTGTTAAGGA-3'
Protein context (NP_001036215.1, residues 755-775): KEDLLRLKKQ[Met765Thr]RVFCQICQHY

ClinVar aggregate classification (germline): Uncertain significance (1 of 4 stars; one submission).

Submission:

GeneDx
Classification: Uncertain significance. Last evaluated: 2024-03-04. Review status: criteria provided, single submitter. Criteria: GeneDx Variant Classification Process June 2021. Collection method: clinical testing. Allele origin: germline. Affected: yes.
Comment: Not observed at significant frequency in large population cohorts (gnomAD); In silico analysis supports that this missense variant does not alter protein structure/function; Has not been previously published as pathogenic or benign to our knowledge